The following is an entry in ClinVar:

NM_014339.7(IL17RA):c.847-3C>T

Gene: IL17RA (interleukin 17 receptor A; plus strand). Cytogenetic location: 22q11.1.
Variant type: single nucleotide variant.
Coding change: c.847-3C>T on transcript NM_014339.7 (MANE Select); 3 bases into the intron before coding-DNA position 847, C replaced by T.
Molecular consequence: intron variant.
Genome position (GRCh38, 1-based): chr22:17,104,723, C>T. VCF-style: chr22-17104723-C-T. GRCh37 (hg19) VCF-style: chr22-17585613-C-T.
Other names: c.847-3C>T (NM_001289905.2).
Identifiers: ClinVar variation 2697438 (VCV002697438.3), dbSNP rs2517168422, ClinGen allele CA2655112538.

ClinVar aggregate classification (germline): Uncertain significance (1 of 4 stars; one submission).

Conditions:
Immunodeficiency 51 (IMD51). Also called: CANDIDIASIS, FAMILIAL, 5. Identifiers: Orphanet 1334, MedGen C4310803, MONDO:0013500, OMIM 613953.

Allele frequency attached by ClinVar (database versions not stated): gnomAD exomes below 0.00001.
gnomAD v4.1: 1 of 1,614,014 alleles (0.000062%); highest among the groups gnomAD compares: Non-Finnish European, 0.000085%; no homozygotes.

Submission:

Labcorp Genetics (formerly Invitae), Labcorp
Classification: Uncertain significance for Immunodeficiency 51. Last evaluated: 2024-01-15. Review status: criteria provided, single submitter. Criteria: Invitae Variant Classification Sherloc (09022015). Collection method: clinical testing. Allele origin: germline.
Comment: This sequence change falls in intron 8 of the IL17RA gene. It does not directly change the encoded amino acid sequence of the IL17RA protein. It affects a nucleotide within the consensus splice site. This variant is not present in population databases (gnomAD no frequency). This variant has not been reported in the literature in individuals affected with IL17RA-related conditions. Variants that disrupt the consensus splice site are a relatively common cause of aberrant splicing (PMID: 17576681, 9536098). Algorithms developed to predict the effect of sequence changes on RNA splicing suggest that this variant is not likely to affect RNA splicing. In summary, the available evidence is currently insufficient to determine the role of this variant in disease. Therefore, it has been classified as a Variant of Uncertain Significance.

Literature cited by the submitters: PubMed 17576681; PubMed 9536098.